The following is an entry in ClinVar:

NM_032447.5(FBN3):c.4872C>T (p.Thr1624=)

Gene: FBN3 (fibrillin 3; minus strand). Cytogenetic location: 19p13.2.
Variant type: single nucleotide variant.
Coding change: c.4872C>T on transcript NM_032447.5 (MANE Select); coding-DNA position 4872, C replaced by T.
Protein change: p.Thr1624=; no amino-acid change (threonine 1624 retained).
Molecular consequence: synonymous variant.
Genome position (GRCh38, 1-based): chr19:8,103,629, G>A on the plus strand (C>T on the coding strand, the complement: FBN3 is on the minus strand). VCF-style: chr19-8103629-G-A. GRCh37 (hg19) VCF-style: chr19-8168513-G-A.
Other names: c.4872C>T, p.Thr1624= (NM_001321431.2); c.4872C>T (NM_001321431.1).
Identifiers: ClinVar variation 780522 (VCV000780522.13), dbSNP rs73922221, ClinGen allele CA9151881.

ClinVar aggregate classification (germline): Benign. Review status: criteria provided, multiple submitters, no conflicts (2 of 4 stars). 3 submissions from 3 submitters: Benign (2). 1 of the submissions does not count toward it. Last evaluated 2026-02-01.

Conditions:
FBN3-related disorder. Also called: FBN3-related condition.

Allele frequency attached by ClinVar (database versions not stated): gnomAD exomes 0.00129 and 0.00340; ExAC 0.00419; 1000 Genomes Project 0.01238; 1000 Genomes Project 30x 0.01312; gnomAD 0.01312 and 0.01423; TOPMed 0.01523; ESP Exome Variant Server 0.01676.
gnomAD v4.1: 3,980 of 1,613,668 alleles (0.25%); highest among the groups gnomAD compares: African/African-American, 4.7%; 98 homozygotes.

Submissions (3):

Labcorp Genetics (formerly Invitae), Labcorp
Classification: Benign. Last evaluated: 2026-02-01. Review status: criteria provided, single submitter. Criteria: Invitae Variant Classification Sherloc (09022015). Collection method: clinical testing. Allele origin: germline.

Breakthrough Genomics
Classification: Benign. Review status: criteria provided, single submitter. Criteria: ACMG Guidelines, 2015. Collection method: not provided. Allele origin: germline. Inheritance: Unknown mechanism. Affected: yes.

PreventionGenetics, part of Exact Sciences
Classification: Benign for FBN3-related condition. Last evaluated: 2019-05-02. Review status: no assertion criteria provided. Collection method: clinical testing. Allele origin: germline. Not counted in ClinVar's aggregate classification.
Comment: This variant is classified as benign based on ACMG/AMP sequence variant interpretation guidelines (Richards et al. 2015 PMID: 25741868, with internal and published modifications).